The following is an entry in ClinVar:

ClinVar aggregate classification (germline): Uncertain significance (1 of 4 stars; one submission).

Conditions:
Gillespie syndrome (GLSP). Also called: Aniridia, cerebellar ataxia, and mental deficiency; Aniridia-cerebellar ataxia-intellectual disability syndrome. Identifiers: Orphanet 1065, MedGen C0431401, MONDO:0008795, OMIM 206700.

Submission:

3billion
Classification: Uncertain significance for Gillespie syndrome. Review status: criteria provided, single submitter. Criteria: ACMG Guidelines, 2015. Collection method: clinical testing. Allele origin: unknown. Affected: yes. Observed: 1 heterozygote.
Comment: The variant is not observed in the gnomAD v2.1.1 dataset. Missense changes are a common disease-causing mechanism. In silico tool predictions suggest damaging effect of the variant on gene or gene product (REVEL: 0.68; 3Cnet: 0.01). Therefore, this variant is classified as Uncertain significance according to the recommendation of ACMG/AMP guideline.

NM_001378452.1(ITPR1):c.226G>A (p.Ala76Thr)

Gene: ITPR1 (inositol 1,4,5-trisphosphate receptor type 1; plus strand). Cytogenetic location: 3p26.1.
Variant type: single nucleotide variant.
Coding change: c.226G>A on transcript NM_001378452.1 (MANE Select); coding-DNA position 226, G replaced by A.
Protein change: p.Ala76Thr; replaces alanine 76 with threonine.
Molecular consequence: missense variant.
Genome position (GRCh38, 1-based): chr3:4,627,825, G>A. VCF-style: chr3-4627825-G-A. GRCh37 (hg19) VCF-style: chr3-4669509-G-A.
Other names: c.226G>A, p.Ala76Thr (NM_001099952.4, NM_001168272.2, NM_002222.7); short protein forms A76T.
Identifiers: ClinVar variation 2572528 (VCV002572528.1), dbSNP rs2470550431, ClinGen allele CA351630829.